The following is an entry in ClinVar:

ClinVar aggregate classification (germline): Likely benign. Review status: criteria provided, multiple submitters, no conflicts (2 of 4 stars). 5 submissions from 5 submitters: Likely benign (5). Last evaluated 2026-01-25.

Conditions:
COL1A2-related disorder. Also called: COL1A2-related condition; COL1A2-Related Disorders.
Ehlers-Danlos syndrome, classic type, 1 (EDSCL1). Also called: Ehlers-Danlos Syndrome, Classic Type, COL5A1-Related; EDS I; Ehlers-Danlos syndrome, type 1; EHLERS-DANLOS SYNDROME, GRAVIS TYPE; EHLERS-DANLOS SYNDROME, SEVERE CLASSIC TYPE. Identifiers: MedGen C0268335, MONDO:0019567, OMIM 130000.
Osteogenesis imperfecta type I (OI1). Also called: Osteogenesis imperfecta type 1; Lobstein's Disease; OI, TYPE I; OSTEOGENESIS IMPERFECTA TARDA; OSTEOGENESIS IMPERFECTA WITH BLUE SCLERAE; Lobstein disease. Identifiers: Orphanet 216796, Orphanet 666, MedGen C0023931, MONDO:0008146, OMIM 166200. Disease mechanism: loss of function.

Allele frequency attached by ClinVar (database versions not stated): gnomAD 0.00001 and 0.00003; gnomAD exomes 0.00001 and 0.00006; TOPMed 0.00001; ExAC 0.00007; 1000 Genomes Project 30x 0.00031; 1000 Genomes Project 0.00040.
gnomAD v4.1: 25 of 1,609,534 alleles (0.0016%); highest among the groups gnomAD compares: East Asian, 0.031%; no homozygotes.

Submissions (5):

PreventionGenetics, part of Exact Sciences
Classification: Likely benign for COL1A2-related condition. Last evaluated: 2026-01-25. Review status: criteria provided, single submitter. Criteria: ACMG Guidelines, 2015. Collection method: clinical testing. Allele origin: germline.
Comment: This variant is classified as likely benign based on ACMG/AMP sequence variant interpretation guidelines (Richards et al. 2015 PMID: 25741868, with internal and published modifications).

Women's Health and Genetics/Laboratory Corporation of America, LabCorp
Classification: Likely benign. Last evaluated: 2026-01-19. Review status: criteria provided, single submitter. Criteria: LabCorp Variant Classification Summary - May 2015. Collection method: clinical testing. Allele origin: germline.

Labcorp Genetics (formerly Invitae), Labcorp
Classification: Likely benign for Osteogenesis imperfecta type I; Ehlers-Danlos syndrome, classic type, 1. Last evaluated: 2025-12-31. Review status: criteria provided, single submitter. Criteria: Invitae Variant Classification Sherloc (09022015). Collection method: clinical testing. Allele origin: germline.

ARUP Laboratories, Molecular Genetics and Genomics, ARUP Laboratories
Classification: Likely benign. Last evaluated: 2020-06-08. Review status: criteria provided, single submitter. Criteria: ARUP Molecular Germline Variant Investigation Process. Collection method: clinical testing. Allele origin: germline.

GeneDx
Classification: Likely benign. Last evaluated: 2017-12-08. Review status: criteria provided, single submitter. Criteria: GeneDx Variant Classification (06012015). Collection method: clinical testing. Allele origin: germline. Affected: yes.
Comment: This variant is considered likely benign or benign based on one or more of the following criteria: it is a conservative change, it occurs at a poorly conserved position in the protein, it is predicted to be benign by multiple in silico algorithms, and/or has population frequency not consistent with disease.

NM_000089.4(COL1A2):c.1503+11C>T

Gene: COL1A2 (collagen type I alpha 2 chain; plus strand). Cytogenetic location: 7q21.3.
Variant type: single nucleotide variant.
Coding change: c.1503+11C>T on transcript NM_000089.4 (MANE Select); 11 bases into the intron after coding-DNA position 1503, C replaced by T.
Molecular consequence: intron variant.
Genome position (GRCh38, 1-based): chr7:94,412,693, C>T. VCF-style: chr7-94412693-C-T. GRCh37 (hg19) VCF-style: chr7-94042005-C-T.
Identifiers: ClinVar variation 514069 (VCV000514069.19), dbSNP rs538640615, ClinGen allele CA4347075.